The following is an entry in ClinVar:

NM_002691.4(POLD1):c.202+6G>T

Gene: POLD1 (DNA polymerase delta 1, catalytic subunit; plus strand). Cytogenetic location: 19q13.33.
Variant type: single nucleotide variant.
Coding change: c.202+6G>T on transcript NM_002691.4 (MANE Select); 6 bases into the intron after coding-DNA position 202, G replaced by T.
Molecular consequence: intron variant.
Genome position (GRCh38, 1-based): chr19:50,399,059, G>T. VCF-style: chr19-50399059-G-T. GRCh37 (hg19) VCF-style: chr19-50902316-G-T.
Other names: c.202+6G>T (LRG_785t2, LRG_785t1, NM_001256849.1 and 1 more transcripts).
Identifiers: ClinVar variation 640611 (VCV000640611.8), dbSNP rs1601189629, ClinGen allele CA915951909.

ClinVar aggregate classification (germline): Conflicting classifications of pathogenicity. Review status: criteria provided, conflicting classifications (1 of 4 stars). 2 submissions from 2 submitters: Uncertain significance (1); Likely benign (1). Last evaluated 2024-06-17.

Conditions:
POLD1-related polyposis and colorectal cancer syndrome (CRCS10). Also called: Colorectal cancer, susceptibility to, 10; Colorectal cancer 10; COLORECTAL CANCER, SUSCEPTIBILITY TO, ON CHROMOSOME 19q. Identifiers: Orphanet 220460, MedGen C2675481, MONDO:0012953, OMIM 612591.

Submissions (2):

Labcorp Genetics (formerly Invitae), Labcorp
Classification: Uncertain significance for POLD1-related polyposis and colorectal cancer syndrome. Last evaluated: 2024-06-17. Review status: criteria provided, single submitter. Criteria: Invitae Variant Classification Sherloc (09022015). Collection method: clinical testing. Allele origin: germline.
Comment: This sequence change falls in intron 2 of the POLD1 gene. It does not directly change the encoded amino acid sequence of the POLD1 protein. It affects a nucleotide within the consensus splice site. This variant is not present in population databases (gnomAD no frequency). This variant has not been reported in the literature in individuals affected with POLD1-related conditions. ClinVar contains an entry for this variant (Variation ID: 640611). Variants that disrupt the consensus splice site are a relatively common cause of aberrant splicing (PMID: 17576681, 9536098). Algorithms developed to predict the effect of sequence changes on RNA splicing suggest that this variant is not likely to affect RNA splicing. In summary, the available evidence is currently insufficient to determine the role of this variant in disease. Therefore, it has been classified as a Variant of Uncertain Significance.

GeneDx
Classification: Likely benign. Last evaluated: 2018-03-27. Review status: criteria provided, single submitter. Criteria: GeneDx Variant Classification (06012015). Collection method: clinical testing. Allele origin: germline. Affected: yes.
Comment: This variant is considered likely benign or benign based on one or more of the following criteria: it is a conservative change, it occurs at a poorly conserved position in the protein, it is predicted to be benign by multiple in silico algorithms, and/or has population frequency not consistent with disease.

Literature cited by the submitters: PubMed 17576681 (cited by Labcorp Genetics (formerly Invitae), Labcorp); PubMed 9536098 (cited by Labcorp Genetics (formerly Invitae), Labcorp).